The following is an entry in ClinVar:

ClinVar aggregate classification (germline): Uncertain significance. Review status: criteria provided, multiple submitters, no conflicts (2 of 4 stars). 2 submissions from 2 submitters: Uncertain significance (2). Last evaluated 2026-07-07.

Conditions:
Juvenile polyposis syndrome (JPS). Identifiers: Orphanet 2929, MedGen C0345893, MONDO:0017380, OMIM 174900.
Hereditary cancer-predisposing syndrome. Also called: Tumor predisposition; Neoplastic Syndromes, Hereditary; Hereditary Cancer Syndrome; Hereditary neoplastic syndrome. Identifiers: Orphanet 140162, MedGen C0027672, MeSH D009386, MONDO:0015356.

Allele frequency attached by ClinVar (database versions not stated): gnomAD exomes below 0.00001.
gnomAD v4.1: 4 of 1,614,030 alleles (0.00025%); highest among the groups gnomAD compares: Non-Finnish European, 0.00034%; no homozygotes.

Submissions (2):

Ambry Genetics
Classification: Uncertain significance for Hereditary cancer-predisposing syndrome. Last evaluated: 2026-07-07. Review status: criteria provided, single submitter. Criteria: Ambry Variant Classification Scheme 2023. Collection method: clinical testing. Allele origin: germline.
Comment: The p.V202F variant (also known as c.604G>T), located in coding exon 6 of the BMPR1A gene, results from a G to T substitution at nucleotide position 604. The valine at codon 202 is replaced by phenylalanine, an amino acid with highly similar properties. This amino acid position is conserved. In addition, this alteration is predicted to be tolerated by in silico analysis. Based on the available evidence, the clinical significance of this variant remains unclear.

Labcorp Genetics (formerly Invitae), Labcorp
Classification: Uncertain significance for Juvenile polyposis syndrome. Last evaluated: 2022-08-10. Review status: criteria provided, single submitter. Criteria: Invitae Variant Classification Sherloc (09022015). Collection method: clinical testing. Allele origin: germline.
Comment: This variant has not been reported in the literature in individuals affected with BMPR1A-related conditions. In summary, the available evidence is currently insufficient to determine the role of this variant in disease. Therefore, it has been classified as a Variant of Uncertain Significance. Advanced modeling of protein sequence and biophysical properties (such as structural, functional, and spatial information, amino acid conservation, physicochemical variation, residue mobility, and thermodynamic stability) performed at Invitae indicates that this missense variant is not expected to disrupt BMPR1A protein function. ClinVar contains an entry for this variant (Variation ID: 239864). This variant is not present in population databases (gnomAD no frequency). This sequence change replaces valine, which is neutral and non-polar, with phenylalanine, which is neutral and non-polar, at codon 202 of the BMPR1A protein (p.Val202Phe).

NM_004329.3(BMPR1A):c.604G>T (p.Val202Phe)

Gene: BMPR1A (bone morphogenetic protein receptor type 1A; plus strand). Cytogenetic location: 10q23.2.
Variant type: single nucleotide variant.
Coding change: c.604G>T on transcript NM_004329.3 (MANE Select); coding-DNA position 604, G replaced by T.
Protein change: p.Val202Phe; replaces valine 202 with phenylalanine.
Molecular consequence: missense variant.
Genome position (GRCh38, 1-based): chr10:86,912,313, G>T. VCF-style: chr10-86912313-G-T. GRCh37 (hg19) VCF-style: chr10-88672070-G-T.
Other names: short protein forms V202F.
Identifiers: ClinVar variation 239864 (VCV000239864.10), dbSNP rs878854670, ClinGen allele CA10582744.